The following is an entry in ClinVar:

ClinVar aggregate classification (germline): Uncertain significance. Review status: criteria provided, multiple submitters, no conflicts (2 of 4 stars). 3 submissions from 3 submitters: Uncertain significance (3). Last evaluated 2023-06-07.

Conditions:
Hereditary cancer-predisposing syndrome. Also called: Hereditary neoplastic syndrome; Neoplastic Syndromes, Hereditary; Tumor predisposition; Hereditary Cancer Syndrome. Identifiers: Orphanet 140162, MedGen C0027672, MeSH D009386, MONDO:0015356.
Isolated focal cortical dysplasia type II (FCORD2). Also called: Focal cortical dysplasia type II; CORTICAL DYSPLASIA OF TAYLOR. Identifiers: Orphanet 268994, MedGen C1846385, MONDO:0011818, OMIM 607341, HP:0032051.
Tuberous sclerosis 1 (TSC1). Identifiers: Orphanet 805, MedGen C1854465, MONDO:0008612, OMIM 191100.

Allele frequency attached by ClinVar (database versions not stated): gnomAD exomes below 0.00001.
gnomAD v4.1: 1 of 1,614,194 alleles (0.000062%); highest among the groups gnomAD compares: Middle Eastern, 0.016%; no homozygotes.

Submissions (3):

Baylor Genetics
Classification: Uncertain significance for Isolated focal cortical dysplasia type II. Last evaluated: 2023-06-07. Review status: criteria provided, single submitter. Criteria: ACMG Guidelines, 2015. Collection method: clinical testing. Allele origin: unknown.

Ambry Genetics
Classification: Uncertain significance for Hereditary cancer-predisposing syndrome. Last evaluated: 2023-05-08. Review status: criteria provided, single submitter. Criteria: Ambry Variant Classification Scheme 2023. Collection method: clinical testing. Allele origin: germline.
Comment: The p.A83P variant (also known as c.247G>C), located in coding exon 3 of the TSC1 gene, results from a G to C substitution at nucleotide position 247. The alanine at codon 83 is replaced by proline, an amino acid with highly similar properties. This amino acid position is not well conserved in available vertebrate species. In addition, this alteration is predicted to be tolerated by in silico analysis. Since supporting evidence is limited at this time, the clinical significance of this alteration remains unclear.

Labcorp Genetics (formerly Invitae), Labcorp
Classification: Uncertain significance for Tuberous sclerosis 1. Last evaluated: 2020-07-08. Review status: criteria provided, single submitter. Criteria: Invitae Variant Classification Sherloc (09022015). Collection method: clinical testing. Allele origin: germline.
Comment: Algorithms developed to predict the effect of missense changes on protein structure and function (SIFT, PolyPhen-2, Align-GVGD) all suggest that this variant is likely to be tolerated, but these predictions have not been confirmed by published functional studies and their clinical significance is uncertain. In summary, the available evidence is currently insufficient to determine the role of this variant in disease. Therefore, it has been classified as a Variant of Uncertain Significance. This sequence change replaces alanine with proline at codon 83 of the TSC1 protein (p.Ala83Pro). The alanine residue is moderately conserved and there is a small physicochemical difference between alanine and proline. This variant is present in population databases (rs76667066, ExAC 0.001%). This variant has not been reported in the literature in individuals with TSC1-related conditions.

NM_000368.5(TSC1):c.247G>C (p.Ala83Pro)

Gene: TSC1 (TSC complex subunit 1; minus strand). Cytogenetic location: 9q34.13.
Variant type: single nucleotide variant.
Coding change: c.247G>C on transcript NM_000368.5 (MANE Select); coding-DNA position 247, G replaced by C.
Protein change: p.Ala83Pro; replaces alanine 83 with proline.
Molecular consequence: missense variant. On other transcripts: 5 prime UTR variant (1), intron variant (1).
Genome position (GRCh38, 1-based): chr9:132,925,703, C>G on the plus strand (G>C on the coding strand, the complement: TSC1 is on the minus strand). VCF-style: chr9-132925703-C-G. GRCh37 (hg19) VCF-style: chr9-135801090-C-G.
Other names: c.247G>C, p.Ala83Pro (NM_001162426.2); c.-117G>C (NM_001362177.2); c.210+1498G>C (NM_001162427.2); c.247G>C (NM_000368.4); short protein forms A83P.
Identifiers: ClinVar variation 1020138 (VCV001020138.11), dbSNP rs76667066, ClinGen allele CA032835.